The following is an entry in ClinVar:

ClinVar aggregate classification (germline): Uncertain significance (1 of 4 stars; one submission).

Conditions:
Hereditary pancreatitis (PCTT). Also called: Hereditary chronic pancreatitis; PRSS1-Related Hereditary Pancreatitis. Identifiers: Orphanet 676, MedGen C0238339, MONDO:0008185, OMIM 167800.

Allele frequency attached by ClinVar (database versions not stated): TOPMed below 0.00001.

Submission:

Ambry Genetics
Classification: Uncertain significance for Hereditary pancreatitis. Last evaluated: 2021-12-10. Review status: criteria provided, single submitter. Criteria: Ambry Variant Classification Scheme 2023. Collection method: clinical testing. Allele origin: germline.
Comment: The p.T124P variant (also known as c.370A>C), located in coding exon 3 of the CPA1 gene, results from an A to C substitution at nucleotide position 370. The threonine at codon 124 is replaced by proline, an amino acid with highly similar properties. This amino acid position is conserved. In addition, this alteration is predicted to be tolerated by in silico analysis. Since supporting evidence is limited at this time, the clinical significance of this alteration remains unclear.

NM_001868.4(CPA1):c.370A>C (p.Thr124Pro)

Gene: CPA1 (carboxypeptidase A1; plus strand). Cytogenetic location: 7q32.2.
Variant type: single nucleotide variant.
Coding change: c.370A>C on transcript NM_001868.4 (MANE Select); coding-DNA position 370, A replaced by C.
Protein change: p.Thr124Pro; replaces threonine 124 with proline.
Molecular consequence: missense variant.
Genome position (GRCh38, 1-based): chr7:130,381,852, A>C. VCF-style: chr7-130381852-A-C. GRCh37 (hg19) VCF-style: chr7-130021693-A-C.
Other names: short protein forms T124P.
Identifiers: ClinVar variation 1734174 (VCV001734174.2), dbSNP rs1796410341, ClinGen allele CA369280537.